The following is an entry in ClinVar:

NM_005502.4(ABCA1):c.374T>C (p.Met125Thr)

Gene: ABCA1 (ATP binding cassette subfamily A member 1; minus strand). Cytogenetic location: 9q31.1.
Variant type: single nucleotide variant.
Coding change: c.374T>C on transcript NM_005502.4 (MANE Select); coding-DNA position 374, T replaced by C.
Protein change: p.Met125Thr; replaces methionine 125 with threonine.
Molecular consequence: missense variant.
Genome position (GRCh38, 1-based): chr9:104,883,086, A>G on the plus strand (T>C on the coding strand, the complement: ABCA1 is on the minus strand). VCF-style: chr9-104883086-A-G. GRCh37 (hg19) VCF-style: chr9-107645367-A-G.
Other names: short protein forms M125T.
Identifiers: ClinVar variation 4234369 (VCV004234369.1).
Genomic context (GRCh38, chr9:104,883,086, plus strand): 5'-GGTTTTTACTTACTTGAGCTGGATTTCTTGATCTGCTGTAATGTTCTCAGAACTTTGCGC[A>G]TGTCCTTCATGCTGGTGTCTTTCTGGCTGTATAAAAGAAGCCTCCGAGCATCTGAGAACA-3'
Protein context (NP_005493.2, residues 115-135): YSQKDTSMKD[Met125Thr]RKVLRTLQQI

ClinVar aggregate classification (germline): Uncertain significance (1 of 4 stars; one submission).

Conditions:
Cardiovascular phenotype. Identifiers: MedGen CN230736.

Submission:

Ambry Genetics
Classification: Uncertain significance for Cardiovascular phenotype. Last evaluated: 2025-07-13. Review status: criteria provided, single submitter. Criteria: Ambry Variant Classification Scheme 2023. Collection method: clinical testing. Allele origin: germline.
Comment: The p.M125T variant (also known as c.374T>C), located in coding exon 4 of the ABCA1 gene, results from a T to C substitution at nucleotide position 374. The methionine at codon 125 is replaced by threonine, an amino acid with similar properties. This amino acid position is conserved. In addition, the in silico prediction for this alteration is inconclusive. Based on the available evidence, the clinical significance of this variant remains unclear.